The following is an entry in ClinVar:

NM_000565.4(IL6R):c.1331G>A (p.Ser444Asn)

Gene: IL6R (interleukin 6 receptor; plus strand). Cytogenetic location: 1q21.3.
Variant type: single nucleotide variant.
Coding change: c.1331G>A on transcript NM_000565.4 (MANE Select); coding-DNA position 1331, G replaced by A.
Protein change: p.Ser444Asn; replaces serine 444 with asparagine.
Molecular consequence: missense variant. On other transcripts: 3 prime UTR variant (2).
Genome position (GRCh38, 1-based): chr1:154,465,304, G>A. VCF-style: chr1-154465304-G-A. GRCh37 (hg19) VCF-style: chr1-154437780-G-A.
Other names: c.1430G>A, p.Ser477Asn (NM_001382769.1); c.1424G>A, p.Ser475Asn (NM_001382770.1); c.1379G>A, p.Ser460Asn (NM_001382771.1); c.1325G>A, p.Ser442Asn (NM_001382772.1); c.*139G>A (NM_001382773.1, NM_181359.3); c.971G>A, p.Ser324Asn (NM_001382774.1); short protein forms S442N, S475N, S324N, S444N, S460N, S477N.
Identifiers: ClinVar variation 1963137 (VCV001963137.4), dbSNP rs1177562623, ClinGen allele CA342628663.

ClinVar aggregate classification (germline): Uncertain significance (1 of 4 stars; one submission).

Allele frequency attached by ClinVar (database versions not stated): TOPMed below 0.00001; gnomAD exomes 0.00001.
gnomAD v4.1: 18 of 1,614,168 alleles (0.0011%); highest among the groups gnomAD compares: Non-Finnish European, 0.0014%; no homozygotes.

Submission:

Labcorp Genetics (formerly Invitae), Labcorp
Classification: Uncertain significance. Last evaluated: 2022-11-01. Review status: criteria provided, single submitter. Criteria: Invitae Variant Classification Sherloc (09022015). Collection method: clinical testing. Allele origin: germline.
Comment: In summary, the available evidence is currently insufficient to determine the role of this variant in disease. Therefore, it has been classified as a Variant of Uncertain Significance. Algorithms developed to predict the effect of missense changes on protein structure and function output the following: SIFT: "Tolerated"; PolyPhen-2: "Benign"; Align-GVGD: "Class C0". The asparagine amino acid residue is found in multiple mammalian species, which suggests that this missense change does not adversely affect protein function. This variant has not been reported in the literature in individuals affected with IL6R-related conditions. This variant is present in population databases (no rsID available, gnomAD 0.002%). This sequence change replaces serine, which is neutral and polar, with asparagine, which is neutral and polar, at codon 444 of the IL6R protein (p.Ser444Asn).